The following is an entry in ClinVar:

NM_000094.4(COL7A1):c.4738_4740delinsA (p.Val1580fs)

Gene: COL7A1 (collagen type VII alpha 1 chain; minus strand). Cytogenetic location: 3p21.31.
Variant type: Indel.
Coding change: c.4738_4740delinsA on transcript NM_000094.4 (MANE Select); coding-DNA positions 4738 to 4740, GTT replaced by A.
Protein change: p.Val1580fs; shifts the reading frame from valine 1580.
Molecular consequence: frameshift variant.
Genome position (GRCh38, 1-based): chr3:48,581,615-48,581,617, AAC replaced by T on the plus strand (GTT replaced by A on the coding strand, the reverse complement: COL7A1 is on the minus strand). VCF-style: chr3-48581615-AAC-T. GRCh37 (hg19) VCF-style: chr3-48619048-AAC-T.
Other names: short protein forms V1580fs.
Identifiers: ClinVar variation 2033959 (VCV002033959.5), dbSNP rs2531108645, ClinGen allele CA2580069999.
Genomic context (GRCh38, chr3:48,581,615, plus strand): 5'-ATTCCCACATTGATTCACCCGGTCTCCAGGGTCTCCCTTGGGGCCAGGGTCTCCAGGAAG[AAC>T]CAAGCCGGGTGGGCCCTGTGGATGGAAGGATAAGAAGTCAGGAAGACAACCTTCACCAAC-3'

ClinVar aggregate classification (germline): Pathogenic. Review status: criteria provided, multiple submitters, no conflicts (2 of 4 stars). 2 submissions from 2 submitters: Pathogenic (2). Last evaluated 2026-03-08.

Conditions:
Recessive dystrophic epidermolysis bullosa (RDEB). Also called: Recessive DEB (RDEB); DYSTROPHIC EPIDERMOLYSIS BULLOSA, AUTOSOMAL RECESSIVE; EPIDERMOLYSIS BULLOSA DYSTROPHICA, HALLOPEAU-SIEMENS TYPE; Epidermolysis Bullosa Distrophica Autosomal Recessive (RDEB); epidermolysis bullosa dystrophica, autosomal recessive; Hallopeau-Siemens Disease. Identifiers: Orphanet 79408, Orphanet 79409, MedGen C0079474, MONDO:0009179, OMIM 226600.

Submissions (2):

Myriad Genetics, Inc.
Classification: Pathogenic for Recessive dystrophic epidermolysis bullosa. Last evaluated: 2026-03-08. Review status: criteria provided, single submitter. Criteria: Myriad Autosomal Dominant, Autosomal Recessive and X-Linked Classification Criteria (2023). Collection method: clinical testing. Allele origin: unknown.
Comment: NM_000094.3(COL7A1):c.4738_4740delGTTinsA(V1580Tfs*28) is expected to be pathogenic in the context of dystrophic epidermolysis bullosa. This variant is predicted to lead to an abnormal or absent protein product due to the creation of a premature termination codon in COL7A1, a gene where loss-of-function variants are known to be pathogenic. Please note: this variant was assessed in the context of healthy population screening.

Labcorp Genetics (formerly Invitae), Labcorp
Classification: Pathogenic. Last evaluated: 2022-10-03. Review status: criteria provided, single submitter. Criteria: Invitae Variant Classification Sherloc (09022015). Collection method: clinical testing. Allele origin: germline.
Comment: This premature translational stop signal has been observed in individual(s) with autosomal recessive epidermolysis bullosa dystrophica (PMID: 10504458). For these reasons, this variant has been classified as Pathogenic. This sequence change creates a premature translational stop signal (p.Val1580Thrfs*28) in the COL7A1 gene. It is expected to result in an absent or disrupted protein product. Loss-of-function variants in COL7A1 are known to be pathogenic (PMID: 16971478). Information on the frequency of this variant in the gnomAD database is not available, as this variant may be reported differently in the database.

Literature cited by the submitters: PubMed 10504458 (cited by Labcorp Genetics (formerly Invitae), Labcorp); PubMed 16971478 (cited by Labcorp Genetics (formerly Invitae), Labcorp).